The following is an entry in ClinVar:

NM_014000.3(VCL):c.2668G>C (p.Ala890Pro)

Gene: VCL (vinculin; plus strand). Cytogenetic location: 10q22.2.
Variant type: single nucleotide variant.
Coding change: c.2668G>C on transcript NM_014000.3 (MANE Select); coding-DNA position 2668, G replaced by C.
Protein change: p.Ala890Pro; replaces alanine 890 with proline.
Molecular consequence: missense variant.
Genome position (GRCh38, 1-based): chr10:74,109,079, G>C. VCF-style: chr10-74109079-G-C. GRCh37 (hg19) VCF-style: chr10-75868837-G-C.
Other names: c.2668G>C, p.Ala890Pro (NM_003373.4); short protein forms A890P.
Identifiers: ClinVar variation 4281881 (VCV004281881.1).

ClinVar aggregate classification (germline): Uncertain significance (1 of 4 stars; one submission).

Submission:

GeneDx
Classification: Uncertain significance. Last evaluated: 2025-04-10. Review status: criteria provided, single submitter. Criteria: GeneDx Variant Classification Process June 2021. Collection method: clinical testing. Allele origin: germline. Affected: yes.
Comment: Not observed at significant frequency in large population cohorts (gnomAD); In silico analysis indicates that this missense variant does not alter protein structure/function; Has not been previously published as pathogenic or benign to our knowledge